The following is an entry in ClinVar:

ClinVar aggregate classification (germline): Conflicting classifications of pathogenicity. Review status: criteria provided, conflicting classifications (1 of 4 stars). 2 submissions from 2 submitters: Uncertain significance (1); Likely benign (1). Last evaluated 2023-10-13.

Allele frequency attached by ClinVar (database versions not stated): gnomAD 0.00003; TOPMed 0.00004.
gnomAD v4.1: 15 of 1,614,068 alleles (0.00093%); highest among the groups gnomAD compares: Admixed American, 0.0017%; no homozygotes.

Submissions (2):

Labcorp Genetics (formerly Invitae), Labcorp
Classification: Uncertain significance. Last evaluated: 2023-10-13. Review status: criteria provided, single submitter. Criteria: Invitae Variant Classification Sherloc (09022015). Collection method: clinical testing. Allele origin: germline.
Comment: This sequence change replaces serine, which is neutral and polar, with threonine, which is neutral and polar, at codon 276 of the ARHGEF10 protein (p.Ser276Thr). This variant is present in population databases (no rsID available, gnomAD 0.007%). This variant has not been reported in the literature in individuals affected with ARHGEF10-related conditions. An algorithm developed to predict the effect of missense changes on protein structure and function (PolyPhen-2) suggests that this variant is likely to be tolerated. In summary, the available evidence is currently insufficient to determine the role of this variant in disease. Therefore, it has been classified as a Variant of Uncertain Significance.

CeGaT Center for Human Genetics Tuebingen
Classification: Likely benign. Last evaluated: 2022-12-01. Review status: criteria provided, single submitter. Criteria: CeGaT Center For Human Genetics Tuebingen Variant Classification Criteria Version 2. Collection method: clinical testing. Allele origin: germline. Affected: yes. Observed: 1 variant allele.
Comment: ARHGEF10: BP4

NM_014629.4(ARHGEF10):c.827G>C (p.Ser276Thr)

Gene: ARHGEF10 (Rho guanine nucleotide exchange factor 10; plus strand). Cytogenetic location: 8p23.3.
Variant type: single nucleotide variant.
Coding change: c.827G>C on transcript NM_014629.4 (MANE Select); coding-DNA position 827, G replaced by C.
Protein change: p.Ser276Thr; replaces serine 276 with threonine.
Molecular consequence: missense variant.
Genome position (GRCh38, 1-based): chr8:1,876,718, G>C. VCF-style: chr8-1876718-G-C. GRCh37 (hg19) VCF-style: chr8-1824884-G-C.
Other names: c.830G>C, p.Ser277Thr (NM_001308152.2, NM_001308153.3); short protein forms S276T, S277T, S301T.
Identifiers: ClinVar variation 2658298 (VCV002658298.27), dbSNP rs755067873, ClinGen allele CA170592138.